The following is an entry in ClinVar:

NM_003706.3(PLA2G4C):c.509C>T (p.Pro170Leu)

Gene: PLA2G4C (phospholipase A2 group IVC; minus strand). Cytogenetic location: 19q13.33.
Variant type: single nucleotide variant.
Coding change: c.509C>T on transcript NM_003706.3 (MANE Select); coding-DNA position 509, C replaced by T.
Protein change: p.Pro170Leu; replaces proline 170 with leucine.
Molecular consequence: missense variant.
Genome position (GRCh38, 1-based): chr19:48,098,198, G>A on the plus strand (C>T on the coding strand, the complement: PLA2G4C is on the minus strand). VCF-style: chr19-48098198-G-A. GRCh37 (hg19) VCF-style: chr19-48601455-G-A.
Other names: c.539C>T, p.Pro180Leu (NM_001159322.2); c.509C>T, p.Pro170Leu (NM_001159323.2); short protein forms P170L, P180L.
Identifiers: ClinVar variation 4829574 (VCV004829574.1).

ClinVar aggregate classification (germline): Uncertain significance (1 of 4 stars; one submission).

gnomAD v4.1: 12 of 1,613,546 alleles (0.00074%); highest among the groups gnomAD compares: East Asian, 0.0022%; no homozygotes.

Submission:

Ambry Genetics
Classification: Uncertain significance. Last evaluated: 2026-01-05. Review status: criteria provided, single submitter. Criteria: Ambry Variant Classification Scheme 2023. Collection method: clinical testing. Allele origin: germline.
Comment: The c.509C>T (p.P170L) alteration is located in exon 6 (coding exon 5) of the PLA2G4C gene. This alteration results from a C to T substitution at nucleotide position 509, causing the proline (P) at amino acid position 170 to be replaced by a leucine (L). Based on data from gnomAD, the T allele has an overall frequency of <0.001% (1/251056) total alleles studied. The highest observed frequency was 0.005% (1/18384) of East Asian alleles. Based on insufficient or conflicting evidence, the clinical significance of this alteration remains unclear.